The following is an entry in ClinVar:

NM_000264.5(PTCH1):c.2752G>A (p.Ala918Thr)

Gene: PTCH1 (patched 1; minus strand). Cytogenetic location: 9q22.32.
Variant type: single nucleotide variant.
Coding change: c.2752G>A on transcript NM_000264.5 (MANE Select); coding-DNA position 2752, G replaced by A.
Protein change: p.Ala918Thr; replaces alanine 918 with threonine.
Molecular consequence: missense variant. On other transcripts: non-coding transcript variant (1).
Genome position (GRCh38, 1-based): chr9:95,459,735, C>T on the plus strand (G>A on the coding strand, the complement: PTCH1 is on the minus strand). VCF-style: chr9-95459735-C-T. GRCh37 (hg19) VCF-style: chr9-98222017-C-T.
Other names: c.2749G>A, p.Ala917Thr (NM_001083603.3); c.2299G>A, p.Ala767Thr (NM_001083604.3, NM_001083605.3, NM_001083606.3 and 1 more transcripts); c.2596G>A, p.Ala866Thr (NM_001354918.2); c.2554G>A, p.Ala852Thr (NM_001083602.3); short protein forms A917T, A852T, A918T, A767T, A866T.
Identifiers: ClinVar variation 1365618 (VCV001365618.11), dbSNP rs2136672620, ClinGen allele CA374113158.

ClinVar aggregate classification (germline): Uncertain significance. Review status: criteria provided, multiple submitters, no conflicts (2 of 4 stars). 2 submissions from 2 submitters: Uncertain significance (2). Last evaluated 2025-06-22.

Conditions:
Hereditary cancer-predisposing syndrome. Also called: Hereditary neoplastic syndrome; Hereditary Cancer Syndrome; Neoplastic Syndromes, Hereditary; Tumor predisposition. Identifiers: Orphanet 140162, MedGen C0027672, MeSH D009386, MONDO:0015356.
Gorlin syndrome. Also called: Basal cell nevus syndrome; Nevoid Basal Cell Carcinoma Syndrome. Identifiers: Orphanet 377, MedGen C0004779, MONDO:0007187.

Allele frequency attached by ClinVar (database versions not stated): gnomAD exomes below 0.00001.
gnomAD v4.1: 3 of 1,614,180 alleles (0.00019%); highest among the groups gnomAD compares: Non-Finnish European, 0.00025%; no homozygotes.

Submissions (2):

Labcorp Genetics (formerly Invitae), Labcorp
Classification: Uncertain significance for Gorlin syndrome. Last evaluated: 2025-06-22. Review status: criteria provided, single submitter. Criteria: Invitae Variant Classification Sherloc (09022015). Collection method: clinical testing. Allele origin: germline.
Comment: This sequence change replaces alanine, which is neutral and non-polar, with threonine, which is neutral and polar, at codon 918 of the PTCH1 protein (p.Ala918Thr). This variant is not present in population databases (gnomAD no frequency). This variant has not been reported in the literature in individuals affected with PTCH1-related conditions. ClinVar contains an entry for this variant (Variation ID: 1365618). Invitae Evidence Modeling of protein sequence and biophysical properties (such as structural, functional, and spatial information, amino acid conservation, physicochemical variation, residue mobility, and thermodynamic stability) indicates that this missense variant is not expected to disrupt PTCH1 protein function with a negative predictive value of 95%. In summary, the available evidence is currently insufficient to determine the role of this variant in disease. Therefore, it has been classified as a Variant of Uncertain Significance.

Ambry Genetics
Classification: Uncertain significance for Hereditary cancer-predisposing syndrome. Last evaluated: 2024-03-16. Review status: criteria provided, single submitter. Criteria: Ambry Variant Classification Scheme 2023. Collection method: clinical testing. Allele origin: germline.
Comment: The p.A918T variant (also known as c.2752G>A), located in coding exon 17 of the PTCH1 gene, results from a G to A substitution at nucleotide position 2752. The alanine at codon 918 is replaced by threonine, an amino acid with similar properties. This amino acid position is conserved. In addition, the in silico prediction for this alteration is inconclusive. Since supporting evidence is limited at this time, the clinical significance of this alteration remains unclear.